The following is an entry in ClinVar:

NM_173630.4(RTTN):c.3735G>C (p.Leu1245=)

Gene: RTTN (rotatin; minus strand). Cytogenetic location: 18q22.2.
Variant type: single nucleotide variant.
Coding change: c.3735G>C on transcript NM_173630.4 (MANE Select); coding-DNA position 3735, G replaced by C.
Protein change: p.Leu1245=; no amino-acid change (leucine 1245 retained).
Molecular consequence: synonymous variant.
Genome position (GRCh38, 1-based): chr18:70,109,666, C>G on the plus strand (G>C on the coding strand, the complement: RTTN is on the minus strand). VCF-style: chr18-70109666-C-G. GRCh37 (hg19) VCF-style: chr18-67776902-C-G.
Other names: c.999G>C, p.Leu333= (NM_001318520.2).
Identifiers: ClinVar variation 1922837 (VCV001922837.9), dbSNP rs1247125808, ClinGen allele CA504326724.

ClinVar aggregate classification (germline): Likely benign. Review status: criteria provided, multiple submitters, no conflicts (2 of 4 stars). 2 submissions from 2 submitters: Likely benign (2). Last evaluated 2026-02-01.

gnomAD v4.1: 1 of 1,614,032 alleles (0.000062%); highest among the groups gnomAD compares: Non-Finnish European, 0.000085%; no homozygotes.

Submissions (2):

CeGaT Center for Human Genetics Tuebingen
Classification: Likely benign. Last evaluated: 2026-02-01. Review status: criteria provided, single submitter. Criteria: CeGaT Center For Human Genetics Tuebingen Variant Classification Criteria Version 2. Collection method: clinical testing. Allele origin: germline. Affected: yes. Observed: 1 variant allele.
Comment: RTTN: BP4, BP7

Labcorp Genetics (formerly Invitae), Labcorp
Classification: Likely benign. Last evaluated: 2022-06-15. Review status: criteria provided, single submitter. Criteria: Invitae Variant Classification Sherloc (09022015). Collection method: clinical testing. Allele origin: germline.